The following is an entry in ClinVar:

ClinVar aggregate classification (germline): Benign (3 of 4 stars; one submission).

Conditions:
Breast-ovarian cancer, familial, susceptibility to, 2 (BROVCA2). Also called: BRCA2 Hereditary Breast and Ovarian Cancer. Identifiers: Orphanet 145, MedGen C2675520, MONDO:0012933, OMIM 612555. Disease mechanism: loss of function.

Allele frequency attached by ClinVar (database versions not stated): 1000 Genomes Project 30x 0.20987; 1000 Genomes Project 0.21046; gnomAD 0.22052 and 0.22352; TOPMed 0.22643.

Submission:

Evidence-based Network for the Interpretation of Germline Mutant Alleles (ENIGMA)
Classification: Benign for Breast-ovarian cancer, familial 2. Last evaluated: 2015-01-12. Review status: reviewed by expert panel. Criteria: ENIGMA BRCA1/2 Classification Criteria (2015). Collection method: curation. Allele origin: germline.
Comment: Class 1 not pathogenic based on frequency >1% in an outbred sampleset. Frequency 0.19 (Asian), 0.1 (African), 0.25 (European), derived from 1000 genomes (2012-04-30).

NM_000059.4(BRCA2):c.8331+1086dup

Gene: BRCA2 (BRCA2 DNA repair associated; plus strand). Cytogenetic location: 13q13.1.
Variant type: Duplication.
Coding change: c.8331+1086dup on transcript NM_000059.4 (MANE Select); 1086 bases into the intron after coding-DNA position 8331, one base duplicated (T; older notation c.8331+1086dupT).
Molecular consequence: intron variant.
Genome position (GRCh38, 1-based): chr13:32,364,619, T duplicated. VCF-style (leftmost placement, unchanged base first): chr13-32364618-C-CT. GRCh37 (hg19) VCF-style: chr13-32938755-C-CT.
Other names: IVS 18+1085insT; c.8331+1085_8331+1086insT (NM_000059.3).
Identifiers: ClinVar variation 209783 (VCV000209783.1), dbSNP rs3092990, ClinGen allele CA276751.
Genomic context (GRCh38, chr13:32,364,618, plus strand): 5'-TATTCAGTGTATACATTATAATGACTGAAAAATATTTTTTGCAATTTAATACCTAATCGA[C>CT]TGTGATCACATTTCCTTTCTTTACAGCTTACTGCTTTCCATGAAGTTATTAACTGTCCTT-3'